The following is an entry in ClinVar:

NM_000383.4(AIRE):c.1161C>T (p.Gly387=)

Gene: AIRE (autoimmune regulator; plus strand). Cytogenetic location: 21q22.3.
Variant type: single nucleotide variant.
Coding change: c.1161C>T on transcript NM_000383.4 (MANE Select); coding-DNA position 1161, C replaced by T.
Protein change: p.Gly387=; no amino-acid change (glycine 387 retained).
Molecular consequence: synonymous variant.
Genome position (GRCh38, 1-based): chr21:44,293,058, C>T. VCF-style: chr21-44293058-C-T. GRCh37 (hg19) VCF-style: chr21-45712941-C-T.
Identifiers: ClinVar variation 1022365 (VCV001022365.12), dbSNP rs372895437, ClinGen allele CA10051969.

ClinVar aggregate classification (germline): Likely benign. Review status: criteria provided, multiple submitters, no conflicts (2 of 4 stars). 3 submissions from 3 submitters: Likely benign (2). 1 of the submissions does not count toward it. Last evaluated 2026-08-01.

Conditions:
Polyglandular autoimmune syndrome, type 1 (APS1). Also called: Autoimmune polyendocrinopathy syndrome, type I; Autoimmune polyendocrinopathy syndrome , type I, with or without reversible metaphyseal dysplasia; PGA I; Autoimmune polyendocrine syndrome type 1; APS I; HYPOADRENOCORTICISM WITH HYPOPARATHYROIDISM AND SUPERFICIAL MONILIASIS. Identifiers: Orphanet 3453, MedGen C0085859, MONDO:0009411, OMIM 240300.

Allele frequency attached by ClinVar (database versions not stated): gnomAD exomes below 0.00001 and 0.00001; gnomAD 0.00001; TOPMed 0.00001; ExAC 0.00002; ESP Exome Variant Server 0.00008.

Submissions (3):

CeGaT Center for Human Genetics Tuebingen
Classification: Likely benign. Last evaluated: 2026-08-01. Review status: criteria provided, single submitter. Criteria: CeGaT Center For Human Genetics Tuebingen Variant Classification Criteria Version 2. Collection method: clinical testing. Allele origin: germline. Affected: yes. Observed: 1 variant allele.
Comment: AIRE: BP4, BP7

Labcorp Genetics (formerly Invitae), Labcorp
Classification: Likely benign for Polyglandular autoimmune syndrome, type 1. Last evaluated: 2025-11-08. Review status: criteria provided, single submitter. Criteria: Invitae Variant Classification Sherloc (09022015). Collection method: clinical testing. Allele origin: germline.

Natera, Inc.
Classification: Uncertain significance for Polyglandular autoimmune syndrome type 1. Last evaluated: 2021-04-27. Review status: no assertion criteria provided. Collection method: clinical testing. Allele origin: germline. Not counted in ClinVar's aggregate classification.